The following is an entry in ClinVar:

ClinVar aggregate classification (germline): Uncertain significance (1 of 4 stars; one submission).

Conditions:
Inborn genetic diseases. Identifiers: MedGen C0950123, MeSH D030342.

Submission:

Ambry Genetics
Classification: Uncertain significance for Inborn genetic diseases. Last evaluated: 2026-08-13. Review status: criteria provided, single submitter. Criteria: Ambry Variant Classification Scheme 2023. Collection method: clinical testing. Allele origin: germline.
Comment: The p.Y691F variant (also known as c.2072A>T), located in coding exon 13 of the PIK3CA gene, results from an A to T substitution at nucleotide position 2072. The tyrosine at codon 691 is replaced by phenylalanine, an amino acid with highly similar properties. This amino acid position is conserved. In addition, this alteration is predicted to be tolerated by in silico analysis. Based on the available evidence, the clinical significance of this variant remains unclear.

NM_006218.4(PIK3CA):c.2072A>T (p.Tyr691Phe)

Gene: PIK3CA (phosphatidylinositol-4,5-bisphosphate 3-kinase catalytic subunit alpha; plus strand). Cytogenetic location: 3q26.32.
Variant type: single nucleotide variant.
Coding change: c.2072A>T on transcript NM_006218.4 (MANE Select); coding-DNA position 2072, A replaced by T.
Protein change: p.Tyr691Phe; replaces tyrosine 691 with phenylalanine.
Molecular consequence: missense variant.
Genome position (GRCh38, 1-based): chr3:179,221,042, A>T. VCF-style: chr3-179221042-A-T. GRCh37 (hg19) VCF-style: chr3-178938830-A-T.
Other names: short protein forms Y691F.
Identifiers: ClinVar variation 5026670 (VCV005026670.1).
Genomic context (GRCh38, chr3:179,221,042, plus strand): 5'-TTAGATCTGAGATGCACAATAAAACAGTTAGCCAGAGGTTTGGCCTGCTTTTGGAGTCCT[A>T]TTGTCGTGCATGTGGGATGTATTTGAAGCACCTGAATAGGCAAGTCGAGGCAATGGAAAA-3'
Protein context (NP_006209.2, residues 681-701): SQRFGLLLES[Tyr691Phe]CRACGMYLKH